The following is an entry in ClinVar:

NM_031885.5(BBS2):c.1398-7G>T

Gene: BBS2 (Bardet-Biedl syndrome 2; minus strand). Cytogenetic location: 16q13.
Variant type: single nucleotide variant.
Coding change: c.1398-7G>T on transcript NM_031885.5 (MANE Select); 7 bases into the intron before coding-DNA position 1398, G replaced by T.
Molecular consequence: intron variant.
Genome position (GRCh38, 1-based): chr16:56,499,914, C>A on the plus strand (G>T on the coding strand, the complement: BBS2 is on the minus strand). VCF-style: chr16-56499914-C-A. GRCh37 (hg19) VCF-style: chr16-56533826-C-A.
Other names: c.1398-7G>T (NM_031885.3, NM_001377456.1).
Identifiers: ClinVar variation 1579707 (VCV001579707.9), dbSNP rs2144139575, ClinGen allele CA2519660906.

ClinVar aggregate classification (germline): Likely benign. Review status: criteria provided, multiple submitters, no conflicts (2 of 4 stars). 2 submissions from 2 submitters: Likely benign (2). Last evaluated 2026-07-23.

Conditions:
Bardet-Biedl syndrome (BBS). Identifiers: Orphanet 110, MedGen C0752166, MONDO:0015229.
BBS2-related disorder. Also called: BBS2-related condition; BBS2-related disorders. Identifiers: MedGen CN239228.

Allele frequency attached by ClinVar (database versions not stated): gnomAD exomes 0.00001.
gnomAD v4.1: 17 of 1,613,792 alleles (0.0011%); highest among the groups gnomAD compares: Non-Finnish European, 0.0013%; no homozygotes.

Submissions (2):

PreventionGenetics, part of Exact Sciences
Classification: Likely benign for BBS2-related condition. Last evaluated: 2026-07-23. Review status: criteria provided, single submitter. Criteria: ACMG Guidelines, 2015. Collection method: clinical testing. Allele origin: germline.
Comment: This variant is classified as likely benign based on ACMG/AMP sequence variant interpretation guidelines (Richards et al. 2015 PMID: 25741868, with internal and published modifications).

Labcorp Genetics (formerly Invitae), Labcorp
Classification: Likely benign for Bardet-Biedl syndrome. Last evaluated: 2024-01-25. Review status: criteria provided, single submitter. Criteria: Invitae Variant Classification Sherloc (09022015). Collection method: clinical testing. Allele origin: germline.